The following is an entry in ClinVar:

ClinVar aggregate classification (germline): Uncertain significance (1 of 4 stars; one submission).

Conditions:
Dilated cardiomyopathy 1DD (CMD1DD). Identifiers: Orphanet 154, MedGen C2750995, MONDO:0013168, OMIM 613172.

Submission:

Labcorp Genetics (formerly Invitae), Labcorp
Classification: Uncertain significance for Dilated cardiomyopathy 1DD. Last evaluated: 2025-10-01. Review status: criteria provided, single submitter. Criteria: Invitae Variant Classification Sherloc (09022015). Collection method: clinical testing. Allele origin: germline.
Comment: This sequence change replaces glutamine, which is neutral and polar, with arginine, which is basic and polar, at codon 937 of the RBM20 protein (p.Gln937Arg). This variant is not present in population databases (gnomAD no frequency). This variant has not been reported in the literature in individuals affected with RBM20-related conditions. Invitae Evidence Modeling of protein sequence and biophysical properties (such as structural, functional, and spatial information, amino acid conservation, physicochemical variation, residue mobility, and thermodynamic stability) indicates that this missense variant is not expected to disrupt RBM20 protein function with a negative predictive value of 95%. In summary, the available evidence is currently insufficient to determine the role of this variant in disease. Therefore, it has been classified as a Variant of Uncertain Significance.

NM_001134363.3(RBM20):c.2810A>G (p.Gln937Arg)

Gene: RBM20 (RNA binding motif protein 20; plus strand). Cytogenetic location: 10q25.2.
Variant type: single nucleotide variant.
Coding change: c.2810A>G on transcript NM_001134363.3 (MANE Select); coding-DNA position 2810, A replaced by G.
Protein change: p.Gln937Arg; replaces glutamine 937 with arginine.
Molecular consequence: missense variant.
Genome position (GRCh38, 1-based): chr10:110,821,429, A>G. VCF-style: chr10-110821429-A-G. GRCh37 (hg19) VCF-style: chr10-112581187-A-G.
Other names: short protein forms Q937R.
Identifiers: ClinVar variation 4707967 (VCV004707967.1).